The following is an entry in ClinVar:

NM_024422.6(DSC2):c.1040del (p.Asp347fs)

Gene: DSC2 (desmocollin 2; minus strand). Cytogenetic location: 18q12.1.
Variant type: Deletion.
Coding change: c.1040del on transcript NM_024422.6 (MANE Select); coding-DNA position 1040, one base deleted (A; older notation c.1040delA).
Protein change: p.Asp347fs; shifts the reading frame from aspartic acid 347.
Molecular consequence: frameshift variant.
Genome position (GRCh38, 1-based): chr18:31,082,963, T deleted on the plus strand (A on the coding strand, the reverse complement: DSC2 is on the minus strand). VCF-style (leftmost placement, unchanged base first): chr18-31082962-AT-A. GRCh37 (hg19) VCF-style: chr18-28662928-AT-A.
Other names: c.611del, p.Asp204fs (NM_001406506.1, NM_001406507.1); c.1040del, p.Asp347fs (NM_004949.5); short protein forms D204fs, D347fs.
Identifiers: ClinVar variation 3544413 (VCV003544413.2).

ClinVar aggregate classification (germline): Likely pathogenic (1 of 4 stars; one submission).

Conditions:
Arrhythmogenic right ventricular dysplasia 11. Also called: ARRHYTHMOGENIC RIGHT VENTRICULAR DYSPLASIA, FAMILIAL, 11; Arrhythmogenic Right Ventricular Dysplasia/Cardiomyopathy11; Arrhythmogenic right ventricular dysplasia 11 with mild palmoplantar keratoderma and woolly hair. Identifiers: MedGen C1864850, MONDO:0012506, OMIM 610476.

Submission:

Molecular Genetics Laboratory, Motol Hospital
Classification: Likely pathogenic for Arrhythmogenic right ventricular dysplasia 11. Last evaluated: 2025-01-08. Review status: criteria provided, single submitter. Criteria: ACMG Guidelines, 2015. Collection method: clinical testing. Allele origin: germline. Affected: yes. Observed: 1 variant allele.
Comment: null (truncating) variant in a gene where loss of function is a known mechanism of a disease (PVS1), rare variant not present in general population in gnomAD v4.1.0 (PM2); ACMG PVS1, PM2